The following is an entry in ClinVar:

NM_001034853.2(RPGR):c.2340_2341del (p.Arg780fs)

Gene: RPGR (retinitis pigmentosa GTPase regulator; minus strand). Cytogenetic location: Xp11.4.
Variant type: Microsatellite.
Coding change: c.2340_2341del on transcript NM_001034853.2 (MANE Select); coding-DNA positions 2340 to 2341, 2 bases deleted (AG; older notation c.2340_2341delAG).
Protein change: p.Arg780fs; shifts the reading frame from arginine 780.
Molecular consequence: frameshift variant. On other transcripts: intron variant (8).
Genome position (GRCh38, 1-based): chrX:38,286,658-38,286,659, CT deleted on the plus strand (AG on the coding strand, the reverse complement: RPGR is on the minus strand); deleting any 2 consecutive bases within chrX:38,286,658-38,286,661 gives the same sequence; the c. name uses the placement nearest the transcript's 3' end. VCF-style (leftmost placement, unchanged base first): chrX-38286657-GCT-G. GRCh37 (hg19) VCF-style: chrX-38145910-GCT-G.
Other names: c.1569+4300_1569+4301del (NM_001367249.1, NM_001367250.1); c.1902+435_1902+436del (NM_001367245.1); c.1386+4300_1386+4301del (NM_001367251.1); c.1719+435_1719+436del (NM_001367246.1); c.1572+4300_1572+4301del (NM_001367247.1); c.1905+435_1905+436del (NM_000328.3); c.1602+4300_1602+4301del (NM_001367248.1); short protein forms R780fs.
Identifiers: ClinVar variation 930830 (VCV000930830.4), dbSNP rs2067185505, ClinGen allele CA2424844868.

ClinVar aggregate classification (germline): Pathogenic. Review status: criteria provided, multiple submitters, no conflicts (2 of 4 stars). 2 submissions from 2 submitters: Pathogenic (2). Last evaluated 2020-01-01.

Conditions:
Retinitis pigmentosa 3. Also called: CHOROIDORETINAL DEGENERATION WITH RETINAL REFLEX IN HETEROZYGOUS WOMEN. Identifiers: Orphanet 791, MedGen C1845667, MONDO:0010227, OMIM 300029.
Retinal dystrophy. Also called: Inherited retinal dystrophy. Identifiers: Orphanet 71862, MedGen C0854723, MeSH D058499, MONDO:0019118, HP:0000556.

Submissions (2):

Institute of Human Genetics, Univ. Regensburg, Univ. Regensburg
Classification: Pathogenic for Retinal dystrophy. Last evaluated: 2020-01-01. Review status: criteria provided, single submitter. Criteria: ACMG Guidelines, 2015. Collection method: clinical testing. Allele origin: germline. Affected: yes.

Centre for Mendelian Genomics, University Medical Centre Ljubljana
Classification: Pathogenic for Retinitis pigmentosa 3. Last evaluated: 2018-10-15. Review status: criteria provided, single submitter. Criteria: ACMG Guidelines, 2015. Collection method: clinical testing. Allele origin: unknown. Affected: yes.
Comment: This variant was classified as: Pathogenic. The following ACMG criteria were applied in classifying this variant: PVS1,PM2,PP5. This variant was detected in hemizygous state.

Literature cited by the submitters: PubMed 12657579 (cited by Institute of Human Genetics, Univ. Regensburg, Univ. Regensburg).